The following is an entry in ClinVar:

NM_005908.4(MANBA):c.2539A>C (p.Thr847Pro)

Gene: MANBA (mannosidase beta; minus strand). Cytogenetic location: 4q24.
Variant type: single nucleotide variant.
Coding change: c.2539A>C on transcript NM_005908.4 (MANE Select); coding-DNA position 2539, A replaced by C.
Protein change: p.Thr847Pro; replaces threonine 847 with proline.
Molecular consequence: missense variant.
Genome position (GRCh38, 1-based): chr4:102,632,158, T>G on the plus strand (A>C on the coding strand, the complement: MANBA is on the minus strand). VCF-style: chr4-102632158-T-G. GRCh37 (hg19) VCF-style: chr4-103553315-T-G.
Other names: c.2539A>C (NM_005908.3); short protein forms T847P.
Identifiers: ClinVar variation 1461078 (VCV001461078.9), dbSNP rs2110185461, ClinGen allele CA357756255.

ClinVar aggregate classification (germline): Uncertain significance. Review status: criteria provided, multiple submitters, no conflicts (2 of 4 stars). 2 submissions from 2 submitters: Uncertain significance (2). Last evaluated 2025-06-07.

Conditions:
Inborn genetic diseases. Identifiers: MedGen C0950123, MeSH D030342.
Beta-D-mannosidosis (MANSB). Also called: Beta-Mannosidosis; MANNOSIDOSIS, BETA A, LYSOSOMAL; BETA-MANNOSIDASE DEFICIENCY; LYSOSOMAL BETA-MANNOSIDASE DEFICIENCY. Identifiers: Orphanet 118, MedGen C4048196, MONDO:0009562, OMIM 248510.

Submissions (2):

Ambry Genetics
Classification: Uncertain significance for Inborn genetic diseases. Last evaluated: 2025-06-07. Review status: criteria provided, single submitter. Criteria: Ambry Variant Classification Scheme 2023. Collection method: clinical testing. Allele origin: germline.

Labcorp Genetics (formerly Invitae), Labcorp
Classification: Uncertain significance for Beta-D-mannosidosis. Last evaluated: 2023-08-30. Review status: criteria provided, single submitter. Criteria: Invitae Variant Classification Sherloc (09022015). Collection method: clinical testing. Allele origin: germline.
Comment: This sequence change replaces threonine, which is neutral and polar, with proline, which is neutral and non-polar, at codon 847 of the MANBA protein (p.Thr847Pro). This variant is not present in population databases (gnomAD no frequency). This variant has not been reported in the literature in individuals affected with MANBA-related conditions. ClinVar contains an entry for this variant (Variation ID: 1461078). Advanced modeling of protein sequence and biophysical properties (such as structural, functional, and spatial information, amino acid conservation, physicochemical variation, residue mobility, and thermodynamic stability) performed at Invitae indicates that this missense variant is not expected to disrupt MANBA protein function. In summary, the available evidence is currently insufficient to determine the role of this variant in disease. Therefore, it has been classified as a Variant of Uncertain Significance.